The following is an entry in ClinVar:

ClinVar aggregate classification (germline): Uncertain significance (1 of 4 stars; one submission).

Submission:

Ambry Genetics
Classification: Uncertain significance. Last evaluated: 2022-02-12. Review status: criteria provided, single submitter. Criteria: Ambry Variant Classification Scheme 2023. Collection method: clinical testing. Allele origin: germline.
Comment: The p.C33Y variant (also known as c.98G>A), located in coding exon 1 of the ALPK2 gene, results from a G to A substitution at nucleotide position 98. The cysteine at codon 33 is replaced by tyrosine, an amino acid with highly dissimilar properties. This amino acid position is conserved. In addition, this alteration is predicted to be deleterious by in silico analysis. Since supporting evidence is limited at this time, the clinical significance of this alteration remains unclear.

NM_052947.4(ALPK2):c.98G>A (p.Cys33Tyr)

Gene: ALPK2 (alpha kinase 2; minus strand). Cytogenetic location: 18q21.32.
Variant type: single nucleotide variant.
Coding change: c.98G>A on transcript NM_052947.4 (MANE Select); coding-DNA position 98, G replaced by A.
Protein change: p.Cys33Tyr; replaces cysteine 33 with tyrosine.
Molecular consequence: missense variant.
Genome position (GRCh38, 1-based): chr18:58,611,700, C>T on the plus strand (G>A on the coding strand, the complement: ALPK2 is on the minus strand). VCF-style: chr18-58611700-C-T. GRCh37 (hg19) VCF-style: chr18-56278932-C-T.
Other names: short protein forms C33Y.
Identifiers: ClinVar variation 1768550 (VCV001768550.2), dbSNP rs2518915254, ClinGen allele CA402557852.